The following is an entry in ClinVar:

NM_144997.7(FLCN):c.925A>G (p.Lys309Glu)

Gene: FLCN (folliculin; minus strand). Cytogenetic location: 17p11.2.
Variant type: single nucleotide variant.
Coding change: c.925A>G on transcript NM_144997.7 (MANE Select); coding-DNA position 925, A replaced by G.
Protein change: p.Lys309Glu; replaces lysine 309 with glutamic acid.
Molecular consequence: missense variant.
Genome position (GRCh38, 1-based): chr17:17,219,156, T>C on the plus strand (A>G on the coding strand, the complement: FLCN is on the minus strand). VCF-style: chr17-17219156-T-C. GRCh37 (hg19) VCF-style: chr17-17122470-T-C.
Other names: c.979A>G, p.Lys327Glu (NM_001353229.2); c.925A>G, p.Lys309Glu (NM_001353230.2, NM_001353231.2); short protein forms K309E, K327E.
Identifiers: ClinVar variation 963725 (VCV000963725.11), dbSNP rs2047014102, ClinGen allele CA398532989.

ClinVar aggregate classification (germline): Uncertain significance. Review status: criteria provided, multiple submitters, no conflicts (2 of 4 stars). 2 submissions from 2 submitters: Uncertain significance (2). Last evaluated 2025-01-21.

Conditions:
Hereditary cancer-predisposing syndrome. Also called: Hereditary neoplastic syndrome; Tumor predisposition; Neoplastic Syndromes, Hereditary; Hereditary Cancer Syndrome. Identifiers: Orphanet 140162, MedGen C0027672, MeSH D009386, MONDO:0015356.
Birt-Hogg-Dube syndrome. Also called: Birt Hogg Dubé syndrome. Identifiers: Orphanet 122, MedGen C0346010, MONDO:0800444.

Submissions (2):

Ambry Genetics
Classification: Uncertain significance for Hereditary cancer-predisposing syndrome. Last evaluated: 2025-01-21. Review status: criteria provided, single submitter. Criteria: Ambry Variant Classification Scheme 2023. Collection method: clinical testing. Allele origin: germline.

Labcorp Genetics (formerly Invitae), Labcorp
Classification: Uncertain significance for Birt-Hogg-Dube syndrome. Last evaluated: 2024-06-30. Review status: criteria provided, single submitter. Criteria: Invitae Variant Classification Sherloc (09022015). Collection method: clinical testing. Allele origin: germline.
Comment: This sequence change replaces lysine, which is basic and polar, with glutamic acid, which is acidic and polar, at codon 309 of the FLCN protein (p.Lys309Glu). This variant is not present in population databases (gnomAD no frequency). This variant has not been reported in the literature in individuals affected with FLCN-related conditions. ClinVar contains an entry for this variant (Variation ID: 963725). Advanced modeling of protein sequence and biophysical properties (such as structural, functional, and spatial information, amino acid conservation, physicochemical variation, residue mobility, and thermodynamic stability) performed at Invitae indicates that this missense variant is not expected to disrupt FLCN protein function with a negative predictive value of 80%. In summary, the available evidence is currently insufficient to determine the role of this variant in disease. Therefore, it has been classified as a Variant of Uncertain Significance.